The following is an entry in ClinVar:

NM_000397.4(CYBB):c.483+978G>A

Gene: CYBB (cytochrome b-245 beta chain; plus strand). Cytogenetic location: Xp21.1.
Variant type: single nucleotide variant.
Coding change: c.483+978G>A on transcript NM_000397.4 (MANE Select); 978 bases into the intron after coding-DNA position 483, G replaced by A.
Molecular consequence: intron variant.
Genome position (GRCh38, 1-based): chrX:37,794,788, G>A. VCF-style: chrX-37794788-G-A. GRCh37 (hg19) VCF-style: chrX-37654041-G-A.
Identifiers: ClinVar variation 991713 (VCV000991713.17), dbSNP rs1031189017, ClinGen allele CA328041089.

ClinVar aggregate classification (germline): Conflicting classifications of pathogenicity. Review status: criteria provided, conflicting classifications (1 of 4 stars). 5 submissions from 5 submitters: Uncertain significance (1); Likely benign (3). 1 of the submissions does not count toward it. Last evaluated 2026-01-20.

Conditions:
Chronic granulomatous disease. Identifiers: Orphanet 379, MedGen C0018203, MONDO:0018305.
Granulomatous disease, chronic, X-linked. Also called: GRANULOMATOUS DISEASE, CHRONIC, X-LINKED, SOMATIC MOSAIC; CYTOCHROME b-NEGATIVE GRANULOMATOUS DISEASE, CHRONIC, X-LINKED. Identifiers: Orphanet 379, MedGen C1844376, MONDO:0010600, OMIM 306400.

Allele frequency attached by ClinVar (database versions not stated): gnomAD 0.00015 and 0.00019; TOPMed 0.00018; 1000 Genomes Project 30x 0.00021.
gnomAD v4.1: 22 of 111,273 alleles (0.02%); highest among the groups gnomAD compares: Middle Eastern, 0.46%; no homozygotes.

Submissions (5):

Labcorp Genetics (formerly Invitae), Labcorp
Classification: Likely benign for Granulomatous disease, chronic, X-linked. Last evaluated: 2026-01-20. Review status: criteria provided, single submitter. Criteria: Invitae Variant Classification Sherloc (09022015). Collection method: clinical testing. Allele origin: germline.

CeGaT Center for Human Genetics Tuebingen
Classification: Likely benign. Last evaluated: 2025-12-01. Review status: criteria provided, single submitter. Criteria: CeGaT Center For Human Genetics Tuebingen Variant Classification Criteria Version 2. Collection method: clinical testing. Allele origin: germline. Affected: yes. Observed: 1 variant allele.
Comment: CYBB: BS2

Blueprint Genetics
Classification: Likely benign. Last evaluated: 2024-11-27. Review status: criteria provided, single submitter. Criteria: ACMG Guidelines, 2015. Collection method: clinical testing. Allele origin: germline.

Mendelics
Classification: Uncertain significance. Last evaluated: 2022-05-04. Review status: criteria provided, single submitter. Criteria: Mendelics Assertion Criteria 2019. Collection method: clinical testing. Allele origin: germline.

Natera, Inc.
Classification: Uncertain significance for Chronic granulomatous disease. Last evaluated: 2020-08-24. Review status: no assertion criteria provided. Collection method: clinical testing. Allele origin: germline. Not counted in ClinVar's aggregate classification.